The following is an entry in ClinVar:

ClinVar aggregate classification (germline): Uncertain significance (1 of 4 stars; one submission).

Submission:

Labcorp Genetics (formerly Invitae), Labcorp
Classification: Uncertain significance. Last evaluated: 2025-12-27. Review status: criteria provided, single submitter. Criteria: Invitae Variant Classification Sherloc (09022015). Collection method: clinical testing. Allele origin: germline.
Comment: This variant, c.363_365dup, results in the insertion of 1 amino acid(s) of the ARID1B protein (p.Gln131dup), but otherwise preserves the integrity of the reading frame. The frequency data for this variant in the population databases is considered unreliable, as metrics indicate poor data quality at this position in the gnomAD database. This variant has not been reported in the literature in individuals affected with ARID1B-related conditions. In summary, the available evidence is currently insufficient to determine the role of this variant in disease. Therefore, it has been classified as a Variant of Uncertain Significance.

NM_001374828.1(ARID1B):c.612_614dup (p.Gln214_His215insGln)

Genes: ARID1B (AT-rich interaction domain 1B; plus strand), LOC115308161 (uncharacterized LOC115308161; minus strand). Cytogenetic location: 6q25.3.
Variant type: Duplication.
Coding change: c.612_614dup on transcript NM_001374828.1 (MANE Select); coding-DNA positions 612 to 614, 3 bases duplicated (ACA; older notation c.612_614dupACA).
Protein change: p.Gln214_His215insGln.
Molecular consequence: inframe insertion. On other transcripts: non-coding transcript variant (1).
Genome position (GRCh38, 1-based): chr6:156,778,292-156,778,294, ACA duplicated; duplicating any 3 consecutive bases within chr6:156,778,290-156,778,294 gives the same sequence; the c. name uses the placement nearest the transcript's 3' end. VCF-style (leftmost placement, unchanged base first): chr6-156778289-G-GCAA. GRCh37 (hg19) VCF-style: chr6-157099423-G-GCAA.
Other names: c.612_614dup, p.Gln214_His215insGln (NM_001371656.1, NM_001374820.1, NM_001438482.1 and 9 more transcripts).
Identifiers: ClinVar variation 4748137 (VCV004748137.1).